The following is an entry in ClinVar:

NM_001206927.2(DNAH8):c.2591T>G (p.Leu864Arg)

Gene: DNAH8 (dynein axonemal heavy chain 8; plus strand). Cytogenetic location: 6p21.2.
Variant type: single nucleotide variant.
Coding change: c.2591T>G on transcript NM_001206927.2 (MANE Select); coding-DNA position 2591, T replaced by G.
Protein change: p.Leu864Arg; replaces leucine 864 with arginine.
Molecular consequence: missense variant.
Genome position (GRCh38, 1-based): chr6:38,789,810, T>G. VCF-style: chr6-38789810-T-G. GRCh37 (hg19) VCF-style: chr6-38757586-T-G.
Other names: c.1940T>G, p.Leu647Arg (NM_001371.4); short protein forms L864R, L647R.
Identifiers: ClinVar variation 4712323 (VCV004712323.1).
Genomic context (GRCh38, chr6:38,789,810, plus strand): 5'-ACTGCTACTTTAAAATGAATTAAAATAAAACATGCCATTTCAACTTCCTACAGGGTCTTC[T>G]GCAATATTATGATGAGTTATGTCAGGAAGTGCCTTCTGTGTTTGTCAATCTGATGACCCC-3'
Protein context (NP_001193856.1, residues 854-874): KADKLYLQGL[Leu864Arg]QYYDELCQEV

ClinVar aggregate classification (germline): Uncertain significance (1 of 4 stars; one submission).

Conditions:
Primary ciliary dyskinesia. Also called: Ciliary dyskinesia. Identifiers: Orphanet 244, MedGen C0008780, MONDO:0016575, HP:0012265.

Submission:

Labcorp Genetics (formerly Invitae), Labcorp
Classification: Uncertain significance for Primary ciliary dyskinesia. Last evaluated: 2025-03-26. Review status: criteria provided, single submitter. Criteria: Invitae Variant Classification Sherloc (09022015). Collection method: clinical testing. Allele origin: germline.
Comment: This sequence change replaces leucine, which is neutral and non-polar, with arginine, which is basic and polar, at codon 864 of the DNAH8 protein (p.Leu864Arg). This variant is not present in population databases (gnomAD no frequency). This variant has not been reported in the literature in individuals affected with DNAH8-related conditions. Experimental studies and prediction algorithms are not available or were not evaluated, and the functional significance of this variant is currently unknown. In summary, the available evidence is currently insufficient to determine the role of this variant in disease. Therefore, it has been classified as a Variant of Uncertain Significance.